The following is an entry in ClinVar:

NM_021098.3(CACNA1H):c.71C>T (p.Ala24Val)

Gene: CACNA1H (calcium voltage-gated channel subunit alpha1 H; plus strand). Cytogenetic location: 16p13.3.
Variant type: single nucleotide variant.
Coding change: c.71C>T on transcript NM_021098.3 (MANE Select); coding-DNA position 71, C replaced by T.
Protein change: p.Ala24Val; replaces alanine 24 with valine.
Molecular consequence: missense variant.
Genome position (GRCh38, 1-based): chr16:1,153,808, C>T. VCF-style: chr16-1153808-C-T. GRCh37 (hg19) VCF-style: chr16-1203808-C-T.
Other names: c.71C>T, p.Ala24Val (NM_001005407.2); short protein forms A24V.
Identifiers: ClinVar variation 4976428 (VCV004976428.1).

ClinVar aggregate classification (germline): Uncertain significance (1 of 4 stars; one submission).

Submission:

GeneDx
Classification: Uncertain significance. Last evaluated: 2026-02-10. Review status: criteria provided, single submitter. Criteria: GeneDx Variant Classification Process June 2021. Collection method: clinical testing. Allele origin: germline.
Comment: Not observed at significant frequency in large population cohorts (gnomAD); In silico analysis suggests that this missense variant does not alter protein structure/function; Has not been previously published as pathogenic or benign to our knowledge